The following is an entry in ClinVar:

NM_001039803.3(CDK20):c.687+6T>C

Gene: CDK20 (cyclin dependent kinase 20; minus strand). Cytogenetic location: 9q22.1.
Variant type: single nucleotide variant.
Coding change: c.687+6T>C on transcript NM_001039803.3 (MANE Select); 6 bases into the intron after coding-DNA position 687, T replaced by C.
Molecular consequence: intron variant.
Genome position (GRCh38, 1-based): chr9:87,969,790, A>G on the plus strand (T>C on the coding strand, the complement: CDK20 is on the minus strand). VCF-style: chr9-87969790-A-G. GRCh37 (hg19) VCF-style: chr9-90584705-A-G.
Other names: c.501-441T>C (NM_001170640.2); c.624+6T>C (NM_001170639.2, NM_012119.5); c.663+6T>C (NM_178432.4).
Identifiers: ClinVar variation 4852896 (VCV004852896.1).

ClinVar aggregate classification (germline): Uncertain significance (1 of 4 stars; one submission).

Submission:

Care4Rare-SOLVE, CHEO
Classification: Uncertain significance. Last evaluated: 2026-05-29. Review status: criteria provided, single submitter. Criteria: ACMG Guidelines, 2015. Collection method: research. Allele origin: biparental. Inheritance: Autosomal recessive inheritance. Affected: yes.
Comment: The c.687+6T>C variant is rare in gnomAD v4.1 (2/1,613,680 alleles; allele frequency (AF)=0.00012%) with no homozygotes. It is predicted to disrupt splicing by weakening the canonical donor site of exon 6 (SpliceAI score 0.75), leading to the use of an alternative 5’ splice site 22 bp into intron 6 and introducing an in-frame premature stop codon predicted to trigger non-sense mediated decay.